The following is an entry in ClinVar:

NM_201253.3(CRB1):c.4219T>C (p.Ter1407Gln)

Gene: CRB1 (crumbs cell polarity complex component 1; plus strand). Cytogenetic location: 1q31.3.
Variant type: single nucleotide variant.
Coding change: c.4219T>C on transcript NM_201253.3 (MANE Select); coding-DNA position 4219, T replaced by C.
Protein change: p.Ter1407Gln.
Molecular consequence: stop lost. On other transcripts: non-coding transcript variant (2).
Genome position (GRCh38, 1-based): chr1:197,477,877, T>C. VCF-style: chr1-197477877-T-C. GRCh37 (hg19) VCF-style: chr1-197447007-T-C.
Other names: c.3883T>C, p.Ter1295Gln (NM_001193640.2); c.4147T>C, p.Ter1383Gln (NM_001257965.2); c.2611T>C, p.Ter871Gln (NM_001257966.2).
Identifiers: ClinVar variation 1518246 (VCV001518246.6), dbSNP rs1667270315, ClinGen allele CA344036137.
Genomic context (GRCh38, chr1:197,477,877, plus strand): 5'-GAGGGCTCCCGAGTGGAAATGTGGAACTTGATGCCACCCCCTGCAATGGAGAGACTGATT[T>C]AGGAGCATTGTGTCCCTTCGAGATGGGGATCCACACACTGTGAATGTGATGACTGTACTT-3'

ClinVar aggregate classification (germline): Uncertain significance (1 of 4 stars; one submission).

Conditions:
Leber congenital amaurosis 8 (LCA8). Identifiers: Orphanet 65, MedGen C3151202, MONDO:0013453, OMIM 613835.
Retinitis pigmentosa 12 (RP12). Also called: RP WITH OR WITHOUT PPRPE; RP WITH OR WITHOUT PRESERVED PARAARTERIOLE RETINAL PIGMENT EPITHELIUM; RETINITIS PIGMENTOSA WITH OR WITHOUT PARAARTERIOLAR PRESERVATION OF RETINAL PIGMENT EPITHELIUM. Identifiers: Orphanet 791, MedGen C1838647, MONDO:0010818, OMIM 600105.

Submission:

Labcorp Genetics (formerly Invitae), Labcorp
Classification: Uncertain significance for Leber congenital amaurosis 8; Retinitis pigmentosa 12. Last evaluated: 2025-03-10. Review status: criteria provided, single submitter. Criteria: Invitae Variant Classification Sherloc (09022015). Collection method: clinical testing. Allele origin: germline.
Comment: This sequence change disrupts the translational stop signal of the CRB1 mRNA. It is expected to extend the length of the CRB1 protein by 111 additional amino acid residues. This variant is not present in population databases (gnomAD no frequency). This variant has not been reported in the literature in individuals affected with CRB1-related conditions. ClinVar contains an entry for this variant (Variation ID: 1518246). In summary, the available evidence is currently insufficient to determine the role of this variant in disease. Therefore, it has been classified as a Variant of Uncertain Significance.